The following is an entry in ClinVar:

ClinVar aggregate classification (germline): Pathogenic/Likely pathogenic. Review status: criteria provided, multiple submitters, no conflicts (2 of 4 stars). 2 submissions from 2 submitters: Pathogenic (1); Likely pathogenic (1). Last evaluated 2023-06-23.

Conditions:
Congenital myasthenic syndrome 4A. Also called: CONGENITAL MYASTHENIC SYNDROME TYPE Ia1; MYASTHENIC SYNDROME, CONGENITAL, 4A, SLOW-CHANNEL, AUTOSOMAL RECESSIVE; Myasthenic syndrome, congenital, 4a, slow-channel. Identifiers: Orphanet 590, MedGen C4225413, MONDO:0011600, OMIM 605809.

Submissions (2):

Labcorp Genetics (formerly Invitae), Labcorp
Classification: Pathogenic for Congenital myasthenic syndrome 4A. Last evaluated: 2023-06-23. Review status: criteria provided, single submitter. Criteria: Invitae Variant Classification Sherloc (09022015). Collection method: clinical testing. Allele origin: germline.
Comment: This sequence change creates a premature translational stop signal (p.Gln292*) in the CHRNE gene. It is expected to result in an absent or disrupted protein product. Loss-of-function variants in CHRNE are known to be pathogenic (PMID: 22678886). This variant is not present in population databases (gnomAD no frequency). This variant has not been reported in the literature in individuals affected with CHRNE-related conditions. For these reasons, this variant has been classified as Pathogenic.

Baylor Genetics
Classification: Likely pathogenic for Congenital myasthenic syndrome 4A. Last evaluated: 2023-06-13. Review status: criteria provided, single submitter. Criteria: ACMG Guidelines, 2015. Collection method: clinical testing. Allele origin: unknown.

Literature cited by the submitters: PubMed 22678886 (cited by Labcorp Genetics (formerly Invitae), Labcorp).

NM_000080.4(CHRNE):c.874C>T (p.Gln292Ter)

Genes: C17orf107 (chromosome 17 open reading frame 107; plus strand), CHRNE (cholinergic receptor nicotinic epsilon subunit; minus strand). Cytogenetic location: 17p13.2.
Variant type: single nucleotide variant.
Coding change: c.874C>T on transcript NM_000080.4 (MANE Select); coding-DNA position 874, C replaced by T.
Protein change: p.Gln292Ter; replaces glutamine 292 with a stop codon.
Molecular consequence: nonsense. On other transcripts: 3 prime UTR variant (1).
Genome position (GRCh38, 1-based): chr17:4,900,836, G>A on the plus strand (C>T on the coding strand, the complement: CHRNE is on the minus strand). VCF-style: chr17-4900836-G-A. GRCh37 (hg19) VCF-style: chr17-4804131-G-A.
Other names: c.*303G>A (NM_001145536.2); short protein forms Q292*.
Identifiers: ClinVar variation 2680787 (VCV002680787.4), dbSNP rs2507553112, ClinGen allele CA397304433.
Genomic context (GRCh38, chr17:4,900,836, plus strand): 5'-GGGGGCTCCGGCTTCACCTGCCCAGGAGCGGCACGCTCAGAGAAGTCTCTGGGATTTTCT[G>A]GGCAATGAGGAACAAGAAGACGGTCTGGGCGAGCAGGACGTTGATGGAGACCGTGCATTT-3'